The following is an entry in ClinVar:

NM_000553.6(WRN):c.1564GAT[2] (p.Asp524del)

Gene: WRN (WRN RecQ like helicase; plus strand). Cytogenetic location: 8p12.
Variant type: Microsatellite.
Coding change: c.1564GAT[2] on transcript NM_000553.6 (MANE Select); two copies in a row of the 3-base unit GAT starting at c.1564; the reference has three copies in a row; one copy, 3 bases deleted.
Protein change: p.Asp524del; deletes aspartic acid 524.
Molecular consequence: inframe deletion.
Genome position (GRCh38, 1-based): chr8:31,087,914-31,087,916, GAT deleted; deleting any 3 consecutive bases within chr8:31,087,908-31,087,916 gives the same sequence; the position shown is the placement nearest the transcript's 3' end. VCF-style (leftmost placement, unchanged base first): chr8-31087907-AGAT-A. GRCh37 (hg19) VCF-style: chr8-30945423-AGAT-A.
Other names: short protein forms D524del.
Identifiers: ClinVar variation 1368970 (VCV001368970.8), dbSNP rs2130157485, ClinGen allele CA2538845289.

ClinVar aggregate classification (germline): Uncertain significance (1 of 4 stars; one submission).

Conditions:
Werner syndrome (WRN). Identifiers: Orphanet 902, MedGen C0043119, MONDO:0010196, OMIM 277700.

Submission:

Labcorp Genetics (formerly Invitae), Labcorp
Classification: Uncertain significance for Werner syndrome. Last evaluated: 2021-07-21. Review status: criteria provided, single submitter. Criteria: Invitae Variant Classification Sherloc (09022015). Collection method: clinical testing. Allele origin: germline.
Comment: In summary, the available evidence is currently insufficient to determine the role of this variant in disease. Therefore, it has been classified as a Variant of Uncertain Significance. Experimental studies and prediction algorithms are not available or were not evaluated, and the functional significance of this variant is currently unknown. This variant has not been reported in the literature in individuals affected with WRN-related conditions. This variant is not present in population databases (ExAC no frequency). This variant, c.1570_1572del, results in the deletion of 1 amino acid(s) of the WRN protein (p.Asp524del), but otherwise preserves the integrity of the reading frame.